The following is an entry in ClinVar:

ClinVar aggregate classification (germline): Benign/Likely benign. Review status: criteria provided, multiple submitters, no conflicts (2 of 4 stars). 3 submissions from 3 submitters: Benign (1); Likely benign (2). Last evaluated 2024-07-22.

Conditions:
Hereditary cancer-predisposing syndrome. Also called: Tumor predisposition; Neoplastic Syndromes, Hereditary; Hereditary Cancer Syndrome; Hereditary neoplastic syndrome. Identifiers: Orphanet 140162, MedGen C0027672, MeSH D009386, MONDO:0015356.
Familial cancer of breast. Also called: hereditary breast carcinoma; BREAST CANCER, FAMILIAL; Hereditary breast cancer. Identifiers: Orphanet 227535, MedGen C0346153, MONDO:0016419, OMIM 114480. Disease mechanism: loss of function.

Allele frequency attached by ClinVar (database versions not stated): gnomAD exomes below 0.00001.
gnomAD v4.1: 1 of 1,613,646 alleles (0.000062%); no homozygotes.

Submissions (3):

Myriad Genetics, Inc.
Classification: Benign for Familial cancer of breast. Last evaluated: 2024-07-22. Review status: criteria provided, single submitter. Criteria: Myriad Autosomal Dominant, Autosomal Recessive and X-Linked Classification Criteria (2023). Collection method: clinical testing. Allele origin: unknown.
Comment: This variant is considered benign. This variant is a silent/synonymous amino acid change and it is not expected to impact splicing.

Labcorp Genetics (formerly Invitae), Labcorp
Classification: Likely benign for Familial cancer of breast. Last evaluated: 2023-10-03. Review status: criteria provided, single submitter. Criteria: Invitae Variant Classification Sherloc (09022015). Collection method: clinical testing. Allele origin: germline.

Color Diagnostics, LLC DBA Color Health
Classification: Likely benign for Hereditary cancer-predisposing syndrome. Last evaluated: 2019-09-25. Review status: criteria provided, single submitter. Criteria: ACMG Guidelines, 2015. Collection method: clinical testing. Allele origin: germline.

NM_000465.4(BARD1):c.498G>A (p.Gln166=)

Gene: BARD1 (BRCA1 associated RING domain 1; minus strand). Cytogenetic location: 2q35.
Variant type: single nucleotide variant.
Coding change: c.498G>A on transcript NM_000465.4 (MANE Select); coding-DNA position 498, G replaced by A.
Protein change: p.Gln166=; no amino-acid change (glutamine 166 retained).
Molecular consequence: synonymous variant. On other transcripts: non-coding transcript variant (2), intron variant (3).
Genome position (GRCh38, 1-based): chr2:214,781,376, C>T on the plus strand (G>A on the coding strand, the complement: BARD1 is on the minus strand). VCF-style: chr2-214781376-C-T. GRCh37 (hg19) VCF-style: chr2-215646100-C-T.
Other names: c.441G>A, p.Gln147= (NM_001282543.2); c.158+28036G>A (NM_001282548.2); c.215+15685G>A (NM_001282545.2); c.364+10921G>A (NM_001282549.2).
Identifiers: ClinVar variation 799657 (VCV000799657.9), dbSNP rs1574821230, ClinGen allele CA431135786.